The following is an entry in ClinVar:

NM_001943.5(DSG2):c.3013A>G (p.Thr1005Ala)

Genes: DSG2 (desmoglein 2; plus strand), DSG2-AS1 (DSG2 antisense RNA 1; minus strand). Cytogenetic location: 18q12.1.
Variant type: single nucleotide variant.
Coding change: c.3013A>G on transcript NM_001943.5 (MANE Select); coding-DNA position 3013, A replaced by G.
Protein change: p.Thr1005Ala; replaces threonine 1005 with alanine.
Molecular consequence: missense variant.
Genome position (GRCh38, 1-based): chr18:31,546,399, A>G. VCF-style: chr18-31546399-A-G. GRCh37 (hg19) VCF-style: chr18-29126362-A-G.
Other names: short protein forms T1005A.
Identifiers: ClinVar variation 937718 (VCV000937718.11), dbSNP rs1386679487, ClinGen allele CA402147776.

ClinVar aggregate classification (germline): Uncertain significance. Review status: criteria provided, multiple submitters, no conflicts (2 of 4 stars). 3 submissions from 3 submitters: Uncertain significance (3). Last evaluated 2024-10-02.

Conditions:
Arrhythmogenic right ventricular cardiomyopathy (ARVD). Also called: Arrhythmogenic cardiomyopathy; Cardiomyopathy, ARVC; Arrhythmogenic right ventricular dysplasia; Arrhythmogenic Right Ventricular Cardiomyopathy (ARVC). Identifiers: Orphanet 247, MedGen C0349788, MeSH D019571, MONDO:0016587. Disease mechanism: loss of function. Inheritance: Various modes of inheritance.
Cardiomyopathy (CMYO). Also called: Cardiomyopathies. Identifiers: Orphanet 167848, MedGen C0878544, MONDO:0004994, HP:0001638. Inheritance: Various modes of inheritance.
Arrhythmogenic right ventricular dysplasia 10. Also called: Arrhythmogenic Right Ventricular Dysplasia/Cardiomyopathy10; ARRHYTHMOGENIC RIGHT VENTRICULAR DYSPLASIA, FAMILIAL, 10; Arrhythmogenic right ventricular dysplasia/cardiomyopathy, type 10. Identifiers: MedGen C1857777, MONDO:0012434, OMIM 610193.

Allele frequency attached by ClinVar (database versions not stated): gnomAD exomes below 0.00001 and 0.00001.
gnomAD v4.1: 2 of 1,614,178 alleles (0.00012%); highest among the groups gnomAD compares: East Asian, 0.0045%; no homozygotes.

Submissions (3):

Labcorp Genetics (formerly Invitae), Labcorp
Classification: Uncertain significance for Arrhythmogenic right ventricular dysplasia 10. Last evaluated: 2024-10-02. Review status: criteria provided, single submitter. Criteria: Invitae Variant Classification Sherloc (09022015). Collection method: clinical testing. Allele origin: germline.
Comment: This sequence change replaces threonine, which is neutral and polar, with alanine, which is neutral and non-polar, at codon 1005 of the DSG2 protein (p.Thr1005Ala). This variant is present in population databases (no rsID available, gnomAD 0.01%). This variant has not been reported in the literature in individuals affected with DSG2-related conditions. ClinVar contains an entry for this variant (Variation ID: 937718). Invitae Evidence Modeling of protein sequence and biophysical properties (such as structural, functional, and spatial information, amino acid conservation, physicochemical variation, residue mobility, and thermodynamic stability) indicates that this missense variant is not expected to disrupt DSG2 protein function with a negative predictive value of 95%. In summary, the available evidence is currently insufficient to determine the role of this variant in disease. Therefore, it has been classified as a Variant of Uncertain Significance.

Color Diagnostics, LLC DBA Color Health
Classification: Uncertain significance for Cardiomyopathy. Last evaluated: 2024-02-07. Review status: criteria provided, single submitter. Criteria: ACMG Guidelines, 2015. Collection method: clinical testing. Allele origin: germline.
Comment: This missense variant replaces threonine with alanine at codon 1005 of the DSG2 protein. Computational prediction suggests that this variant may not impact protein structure and function (internally defined REVEL score threshold <= 0.5, PMID: 27666373). To our knowledge, functional studies have not been reported for this variant. This variant has not been reported in individuals affected with cardiovascular disorders in the literature. This variant has been identified in 2/249342 chromosomes in the general population by the Genome Aggregation Database (gnomAD). The available evidence is insufficient to determine the role of this variant in disease conclusively. Therefore, this variant is classified as a Variant of Uncertain Significance.

All of Us Research Program, National Institutes of Health
Classification: Uncertain significance for Arrhythmogenic right ventricular cardiomyopathy. Last evaluated: 2023-08-15. Review status: criteria provided, single submitter. Criteria: ACMG Guidelines, 2015. Collection method: clinical testing. Allele origin: germline. Inheritance: Autosomal dominant inheritance. Observed: 1 variant allele, 1 heterozygote.
Comment: This missense variant replaces threonine with alanine at codon 1005 of the DSG2 protein. Computational prediction suggests that this variant may not impact protein structure and function (internally defined REVEL score threshold <= 0.5, PMID: 27666373). To our knowledge, functional studies have not been reported for this variant. This variant has not been reported in individuals affected with cardiovascular disorders in the literature. This variant has been identified in 2/249342 chromosomes in the general population by the Genome Aggregation Database (gnomAD). The available evidence is insufficient to determine the role of this variant in disease conclusively. Therefore, this variant is classified as a Variant of Uncertain Significance.

This study involves interpretation of variants in research participants for the purpose of population health screening. Participant phenotype was not available at the time of variant classification. Additional details can be found in publication PMID: 35346344, PMCID: PMC8962531